The following is an entry in ClinVar:

NM_153676.4(USH1C):c.1914G>A (p.Gly638=)

Gene: USH1C (USH1 protein network component harmonin; minus strand). Cytogenetic location: 11p15.1.
Variant type: single nucleotide variant.
Coding change: c.1914G>A on transcript NM_153676.4 (MANE Select); coding-DNA position 1914, G replaced by A.
Protein change: p.Gly638=; no amino-acid change (glycine 638 retained).
Molecular consequence: synonymous variant. On other transcripts: intron variant (2).
Genome position (GRCh38, 1-based): chr11:17,509,455, C>T on the plus strand (G>A on the coding strand, the complement: USH1C is on the minus strand). VCF-style: chr11-17509455-C-T. GRCh37 (hg19) VCF-style: chr11-17531002-C-T.
Other names: c.1228-7475G>A (NM_001297764.2); c.1285-7475G>A (NM_005709.4).
Identifiers: ClinVar variation 3351648 (VCV003351648.1).

ClinVar aggregate classification (germline): Likely benign (0 of 4 stars; one submission).

Conditions:
USH1C-related disorder. Also called: USH1C-related condition.

gnomAD v4.1: 117 of 1,612,820 alleles (0.0073%); highest among the groups gnomAD compares: Non-Finnish European, 0.0095%; no homozygotes.

Submission:

PreventionGenetics, part of Exact Sciences
Classification: Likely benign for USH1C-related condition. Last evaluated: 2019-07-09. Review status: no assertion criteria provided. Collection method: clinical testing. Allele origin: germline.
Comment: This variant is classified as likely benign based on ACMG/AMP sequence variant interpretation guidelines (Richards et al. 2015 PMID: 25741868, with internal and published modifications).